The following is an entry in ClinVar:

NM_022336.4(EDAR):c.1234del (p.Leu412fs)

Genes: EDAR (ectodysplasin A receptor; minus strand), RANBP2 (RAN binding protein 2; plus strand). Cytogenetic location: 2q13.
Variant type: Deletion.
Coding change: c.1234del on transcript NM_022336.4 (MANE Select); coding-DNA position 1234, one base deleted (C; older notation c.1234delC).
Protein change: p.Leu412fs; shifts the reading frame from leucine 412.
Molecular consequence: frameshift variant.
Genome position (GRCh38, 1-based): chr2:108,897,020, G deleted on the plus strand (C on the coding strand, the reverse complement: EDAR is on the minus strand). VCF-style (leftmost placement, unchanged base first): chr2-108897019-AG-A. GRCh37 (hg19) VCF-style: chr2-109513475-AG-A.
Other names: short protein forms L412fs.
Identifiers: ClinVar variation 4073582 (VCV004073582.1).
Genomic context (GRCh38, chr2:108,897,019, plus strand): 5'-AGTATGTCTGCACACAAGGACTCCACAGCATCCAGCCGCTCAATCTGCACCAGTTTTGTG[AG>A]TAGCTCAGGGATGCTGTAGCCTGCCGTGCTGATGCGGTCAAAGAGTTGCATGCCGTCTGT-3'

ClinVar aggregate classification (germline): Likely pathogenic (1 of 4 stars; one submission).

Conditions:
Ectodermal dysplasia 10A, hypohidrotic/hair/nail type, autosomal dominant (ECTD10A). Also called: Ectodermal Dysplasia 3, Anhidrotic. Identifiers: Orphanet 1810, Orphanet 238468, MedGen C3888065, MONDO:0007509, OMIM 129490.

Submission:

Department of Pediatric Genetics, University of Health Sciences, Ankara Bilkent City Children’s Hospital
Classification: Likely pathogenic for Ectodermal dysplasia 10A, hypohidrotic/hair/nail type, autosomal dominant. Last evaluated: 2024-12-01. Review status: criteria provided, single submitter. Criteria: ACMG Guidelines, 2015. Collection method: clinical testing. Allele origin: maternal. Affected: yes.
Comment: The c.1234del (p.Leu412SerfsTer88) variant in the EDAR gene (NM_022336.4) is a frameshift variant located in exon 12 and has not been previously reported in ClinVar. This variant is predicted to result in loss of function due to a truncated or absent protein (PVS1). The allele frequency of this variant is not reported, and it is absent from population databases such as gnomAD (PM2). In summary, this variant meets the criteria to be classified as likely pathogenic for ectodermal dysplasia 10A, hypohidrotic/hair/nail type, autosomal dominant, based on the ACMG guidelines (Richards et al., 2015), with supporting evidence from criteria PVS1 and PM2.